The following is an entry in ClinVar:

ClinVar aggregate classification (germline): Uncertain significance (1 of 4 stars; one submission).

Submission:

Labcorp Genetics (formerly Invitae), Labcorp
Classification: Uncertain significance. Last evaluated: 2025-10-07. Review status: criteria provided, single submitter. Criteria: Invitae Variant Classification Sherloc (09022015). Collection method: clinical testing. Allele origin: germline.
Comment: This sequence change replaces aspartic acid, which is acidic and polar, with glycine, which is neutral and non-polar, at codon 33 of the MFAP5 protein (p.Asp33Gly). This variant is not present in population databases (gnomAD no frequency). This variant has not been reported in the literature in individuals affected with MFAP5-related conditions. An algorithm developed to predict the effect of missense changes on protein structure and function (PolyPhen-2) suggests that this variant is likely to be tolerated. In summary, the available evidence is currently insufficient to determine the role of this variant in disease. Therefore, it has been classified as a Variant of Uncertain Significance.

NM_003480.4(MFAP5):c.98A>G (p.Asp33Gly)

Gene: MFAP5 (microfibril associated protein 5; minus strand). Cytogenetic location: 12p13.31.
Variant type: single nucleotide variant.
Coding change: c.98A>G on transcript NM_003480.4 (MANE Select); coding-DNA position 98, A replaced by G.
Protein change: p.Asp33Gly; replaces aspartic acid 33 with glycine.
Molecular consequence: missense variant. On other transcripts: non-coding transcript variant (2).
Genome position (GRCh38, 1-based): chr12:8,655,827, T>C on the plus strand (A>G on the coding strand, the complement: MFAP5 is on the minus strand). VCF-style: chr12-8655827-T-C. GRCh37 (hg19) VCF-style: chr12-8808423-T-C.
Other names: c.98A>G, p.Asp33Gly (NM_001297709.2, NM_001297711.2, NM_001297712.2); c.62A>G, p.Asp21Gly (NM_001297710.2); short protein forms D33G, D21G.
Identifiers: ClinVar variation 4728653 (VCV004728653.1).